The following is an entry in ClinVar:

NM_002693.3(POLG):c.1860G>A (p.Trp620Ter)

Gene: POLG (DNA polymerase gamma, catalytic subunit; minus strand). Cytogenetic location: 15q26.1.
Variant type: single nucleotide variant.
Coding change: c.1860G>A on transcript NM_002693.3 (MANE Select); coding-DNA position 1860, G replaced by A.
Protein change: p.Trp620Ter; replaces tryptophan 620 with a stop codon.
Molecular consequence: nonsense.
Genome position (GRCh38, 1-based): chr15:89,325,539, C>T on the plus strand (G>A on the coding strand, the complement: POLG is on the minus strand). VCF-style: chr15-89325539-C-T. GRCh37 (hg19) VCF-style: chr15-89868770-C-T.
Other names: c.1860G>A, p.Trp620Ter (NM_001126131.2); short protein forms W620*.
Identifiers: ClinVar variation 2748199 (VCV002748199.3), dbSNP rs2509248765, ClinGen allele CA393759208.
Genomic context (GRCh38, chr15:89,325,539, plus strand): 5'-CAGGGTGGTACCTGTCGGCAGCTTGGCCAGGTTGTCCCGCCGCCCAGGCACCAAGTAGCC[C>T]CAGCCATGACGCTCTGAGTAGTGCAGAGGGAAGCCATCCCAGGTAAGTGCCATGAGTTTA-3'

ClinVar aggregate classification (germline): Pathogenic (1 of 4 stars; one submission).

Conditions:
Progressive sclerosing poliodystrophy (MTDPS4A). Also called: ALPERS PROGRESSIVE INFANTILE POLIODYSTROPHY; NEURONAL DEGENERATION OF CHILDHOOD WITH LIVER DISEASE, PROGRESSIVE; Alpers Syndrome; ALPERS DIFFUSE DEGENERATION OF CEREBRAL GRAY MATTER WITH HEPATIC CIRRHOSIS; Alpers-Huttenlocher Syndrome; Mitochondrial DNA depletion syndrome 4A (Alpers type). Identifiers: Orphanet 726, MedGen C0205710, MONDO:0008758, OMIM 203700.

Allele frequency attached by ClinVar (database versions not stated): gnomAD exomes below 0.00001.
gnomAD v4.1: 1 of 1,613,248 alleles (0.000062%); highest among the groups gnomAD compares: South Asian, 0.0011%; no homozygotes.

Submission:

Labcorp Genetics (formerly Invitae), Labcorp
Classification: Pathogenic for Progressive sclerosing poliodystrophy. Last evaluated: 2023-07-29. Review status: criteria provided, single submitter. Criteria: Invitae Variant Classification Sherloc (09022015). Collection method: clinical testing. Allele origin: germline.
Comment: This sequence change creates a premature translational stop signal (p.Trp620*) in the POLG gene. It is expected to result in an absent or disrupted protein product. Loss-of-function variants in POLG are known to be pathogenic (PMID: 18546365). For these reasons, this variant has been classified as Pathogenic. This variant has not been reported in the literature in individuals affected with POLG-related conditions. This variant is not present in population databases (gnomAD no frequency).

Literature cited by the submitters: PubMed 18546365.